The following is an entry in ClinVar:

ClinVar aggregate classification (germline): Uncertain significance (1 of 4 stars; one submission).

Conditions:
Inosine triphosphatase deficiency. Also called: INOSINE TRIPHOSPHATE PYROPHOSPHOHYDROLASE DEFICIENCY. Identifiers: MedGen C0342800, MONDO:0013461, OMIM 613850.

Submission:

Labcorp Genetics (formerly Invitae), Labcorp
Classification: Uncertain significance for Inosine triphosphatase deficiency. Last evaluated: 2021-01-25. Review status: criteria provided, single submitter. Criteria: Invitae Variant Classification Sherloc (09022015). Collection method: clinical testing. Allele origin: germline.
Comment: In summary, the available evidence is currently insufficient to determine the role of this variant in disease. Therefore, it has been classified as a Variant of Uncertain Significance. This sequence change replaces serine with glutamic acid at codon 137 of the ITPA protein (p.Ser137Glu). The serine residue is weakly conserved and there is a moderate physicochemical difference between serine and glutamic acid. The frequency data for this variant in the population databases is not available, as this variant may be reported as separate entries in the ExAC database. This variant has not been reported in the literature in individuals with ITPA-related conditions. Algorithms developed to predict the effect of missense changes on protein structure and function are either unavailable or do not agree on the potential impact of this missense change (SIFT: "Not Available"; PolyPhen-2: "Benign"; Align-GVGD: "Not Available").

NM_033453.4(ITPA):c.409_410inv (p.Ser137Glu)

Genes: ITPA (inosine triphosphatase; plus strand), LOC130065322 (ATAC-STARR-seq lymphoblastoid silent region 12615; plus strand). Cytogenetic location: 20p13.
Variant type: Inversion.
Coding change: c.409_410inv on transcript NM_033453.4 (MANE Select).
Protein change: p.Ser137Glu; replaces serine 137 with glutamic acid.
Molecular consequence: missense variant. On other transcripts: synonymous variant (4), non-coding transcript variant (2).
Genome position: GRCh38 VCF-style: chr20-3218630-TC-GA. GRCh37 (hg19) VCF-style: chr20-3199276-TC-GA.
Other names: c.286_287inv, p.Ser96Glu (NM_001267623.2); c.72_73inv, p.Pro24_Arg25= (NM_001324236.2, NM_001324237.2, NM_001324238.2 and 1 more transcripts); c.409_410inv, p.Ser137Glu (NM_001324240.2, NM_001424408.1); c.535_536inv, p.Ser179Glu (NM_001424409.1); c.358_359inv, p.Ser120Glu (NM_181493.4); short protein forms S120E, S96E, S137E, S179E.
Identifiers: ClinVar variation 1504555 (VCV001504555.6), ClinGen allele CA2573157033.
Genomic context (GRCh38, chr20:3,218,630, plus strand): 5'-ACGTTTGCACTCAGCACCGGGGACCCAAGCCAGCCCGTGCGCCTGTTCAGGGGCCGGACC[TC>GA]GGTGCGTACCCACCTTGATGCAGTTCCCGCCGCGCGCCGCCAGGGGGTGCCGCGACCCGA-3'
Protein context (NP_258412.1, residues 127-147): QPVRLFRGRT[Ser137Glu]GRIVAPRGCQ